The following is an entry in ClinVar:

NM_025081.3(NYNRIN):c.848A>G (p.Gln283Arg)

Gene: NYNRIN (NYN domain and retroviral integrase containing; plus strand). Cytogenetic location: 14q12.
Variant type: single nucleotide variant.
Coding change: c.848A>G on transcript NM_025081.3 (MANE Select); coding-DNA position 848, A replaced by G.
Protein change: p.Gln283Arg; replaces glutamine 283 with arginine.
Molecular consequence: missense variant.
Genome position (GRCh38, 1-based): chr14:24,408,518, A>G. VCF-style: chr14-24408518-A-G. GRCh37 (hg19) VCF-style: chr14-24877724-A-G.
Other names: short protein forms Q283R.
Identifiers: ClinVar variation 2721462 (VCV002721462.3), dbSNP rs748289213, ClinGen allele CA7136683.

ClinVar aggregate classification (germline): Uncertain significance (1 of 4 stars; one submission).

Allele frequency attached by ClinVar (database versions not stated): ExAC 0.00003; TOPMed 0.00005; gnomAD exomes 0.00006; gnomAD 0.00009.
gnomAD v4.1: 92 of 1,572,260 alleles (0.0059%); highest among the groups gnomAD compares: East Asian, 0.18%; no homozygotes.

Submission:

Labcorp Genetics (formerly Invitae), Labcorp
Classification: Uncertain significance. Last evaluated: 2024-03-13. Review status: criteria provided, single submitter. Criteria: Invitae Variant Classification Sherloc (09022015). Collection method: clinical testing. Allele origin: germline.
Comment: This sequence change replaces glutamine, which is neutral and polar, with arginine, which is basic and polar, at codon 283 of the NYNRIN protein (p.Gln283Arg). This variant is present in population databases (rs748289213, gnomAD 0.02%). This variant has not been reported in the literature in individuals affected with NYNRIN-related conditions. Experimental studies and prediction algorithms are not available or were not evaluated, and the functional significance of this variant is currently unknown. In summary, the available evidence is currently insufficient to determine the role of this variant in disease. Therefore, it has been classified as a Variant of Uncertain Significance.